The following is an entry in ClinVar:

ClinVar aggregate classification (germline): Uncertain significance. Review status: criteria provided, multiple submitters, no conflicts (2 of 4 stars). 2 submissions from 2 submitters: Uncertain significance (2). Last evaluated 2023-10-22.

Conditions:
Hereditary cancer-predisposing syndrome. Also called: Neoplastic Syndromes, Hereditary; Tumor predisposition; Hereditary neoplastic syndrome; Hereditary Cancer Syndrome. Identifiers: Orphanet 140162, MedGen C0027672, MeSH D009386, MONDO:0015356.
Familial cancer of breast. Also called: hereditary breast carcinoma; BREAST CANCER, FAMILIAL; Hereditary breast cancer. Identifiers: Orphanet 227535, MedGen C0346153, MONDO:0016419, OMIM 114480. Disease mechanism: loss of function.

Submissions (2):

Ambry Genetics
Classification: Uncertain significance for Hereditary cancer-predisposing syndrome. Last evaluated: 2023-10-22. Review status: criteria provided, single submitter. Criteria: Ambry Variant Classification Scheme 2023. Collection method: clinical testing. Allele origin: germline.
Comment: The p.K317R variant (also known as c.950A>G), located in coding exon 8 of the CHEK2 gene, results from an A to G substitution at nucleotide position 950. The lysine at codon 317 is replaced by arginine, an amino acid with highly similar properties. This amino acid position is conserved. In addition, this alteration is predicted to be tolerated by in silico analysis. Since supporting evidence is limited at this time, the clinical significance of this alteration remains unclear.

Labcorp Genetics (formerly Invitae), Labcorp
Classification: Uncertain significance for Familial cancer of breast. Last evaluated: 2018-12-20. Review status: criteria provided, single submitter. Criteria: Invitae Variant Classification Sherloc (09022015). Collection method: clinical testing. Allele origin: germline.
Comment: In summary, the available evidence is currently insufficient to determine the role of this variant in disease. Therefore, it has been classified as a Variant of Uncertain Significance. Algorithms developed to predict the effect of missense changes on protein structure and function output the following: SIFT: "Tolerated"; PolyPhen-2: "Benign"; Align-GVGD: "Class C0". The arginine amino acid residue is found in multiple mammalian species, suggesting that this missense change does not adversely affect protein function. These predictions have not been confirmed by published functional studies and their clinical significance is uncertain. This variant has not been reported in the literature in individuals with CHEK2-related conditions. This variant is not present in population databases (ExAC no frequency). This sequence change replaces lysine with arginine at codon 317 of the CHEK2 protein (p.Lys317Arg). The lysine residue is moderately conserved and there is a small physicochemical difference between lysine and arginine.

NM_007194.4(CHEK2):c.950A>G (p.Lys317Arg)

Gene: CHEK2 (checkpoint kinase 2; minus strand). Cytogenetic location: 22q12.1.
Variant type: single nucleotide variant.
Coding change: c.950A>G on transcript NM_007194.4 (MANE Select); coding-DNA position 950, A replaced by G.
Protein change: p.Lys317Arg; replaces lysine 317 with arginine.
Molecular consequence: missense variant.
Genome position (GRCh38, 1-based): chr22:28,699,896, T>C on the plus strand (A>G on the coding strand, the complement: CHEK2 is on the minus strand). VCF-style: chr22-28699896-T-C. GRCh37 (hg19) VCF-style: chr22-29095884-T-C.
Other names: c.1079A>G, p.Lys360Arg (NM_001005735.3); c.287A>G, p.Lys96Arg (NM_001257387.3); c.749A>G, p.Lys250Arg (NM_001349956.3); c.950A>G, p.Lys317Arg (NM_145862.3); short protein forms K250R, K96R, K360R, K317R.
Identifiers: ClinVar variation 643582 (VCV000643582.10), dbSNP rs1601738869, ClinGen allele CA411099893.